The following is an entry in ClinVar:

NM_000257.4(MYH7):c.3821C>A (p.Thr1274Asn)

Gene: MYH7 (myosin heavy chain 7; minus strand). Cytogenetic location: 14q11.2.
Variant type: single nucleotide variant.
Coding change: c.3821C>A on transcript NM_000257.4 (MANE Select); coding-DNA position 3821, C replaced by A.
Protein change: p.Thr1274Asn; replaces threonine 1274 with asparagine.
Molecular consequence: missense variant.
Genome position (GRCh38, 1-based): chr14:23,419,515, G>T on the plus strand (C>A on the coding strand, the complement: MYH7 is on the minus strand). VCF-style: chr14-23419515-G-T. GRCh37 (hg19) VCF-style: chr14-23888724-G-T.
Other names: c.3821C>A, p.Thr1274Asn (NM_001407004.1); short protein forms T1274N.
Identifiers: ClinVar variation 3636011 (VCV003636011.2).
Genomic context (GRCh38, chr14:23,419,515, plus strand): 5'-AACCATGGAGCCCCTGCTCTAGGCTCACCATTCTCGGTTTGCAACTTGGCCCGCTGGCTG[G>T]TGAGGTCGTTGACAGAACGCTGGGTCTCCTCCGCCTTGCTCCGGTGCTCATTCATCTGGT-3'
Protein context (NP_000248.2, residues 1264-1284): EETQRSVNDL[Thr1274Asn]SQRAKLQTEN

ClinVar aggregate classification (germline): Uncertain significance (1 of 4 stars; one submission).

Conditions:
Hypertrophic cardiomyopathy. Also called: HYPERTROPHIC MYOCARDIOPATHY. Identifiers: Orphanet 217569, MedGen C0007194, MeSH D002312, MONDO:0005045, HP:0001639.

Submission:

Labcorp Genetics (formerly Invitae), Labcorp
Classification: Uncertain significance for Hypertrophic cardiomyopathy. Last evaluated: 2024-03-03. Review status: criteria provided, single submitter. Criteria: Invitae Variant Classification Sherloc (09022015). Collection method: clinical testing. Allele origin: germline.
Comment: This sequence change replaces threonine, which is neutral and polar, with asparagine, which is neutral and polar, at codon 1274 of the MYH7 protein (p.Thr1274Asn). This variant is not present in population databases (gnomAD no frequency). This variant has not been reported in the literature in individuals affected with MYH7-related conditions. Advanced modeling of protein sequence and biophysical properties (such as structural, functional, and spatial information, amino acid conservation, physicochemical variation, residue mobility, and thermodynamic stability) performed at Invitae indicates that this missense variant is not expected to disrupt MYH7 protein function with a negative predictive value of 95%. In summary, the available evidence is currently insufficient to determine the role of this variant in disease. Therefore, it has been classified as a Variant of Uncertain Significance.